The following is an entry in ClinVar:

ClinVar aggregate classification (germline): Uncertain significance. Review status: criteria provided, multiple submitters, no conflicts (2 of 4 stars). 2 submissions from 2 submitters: Uncertain significance (2). Last evaluated 2025-09-01.

Conditions:
Cardiovascular phenotype. Identifiers: MedGen CN230736.
RASopathy. Also called: rasopathies; Noonan spectrum disorder. Identifiers: Orphanet 536391, MedGen C5555857, MONDO:0021060.

Submissions (2):

Labcorp Genetics (formerly Invitae), Labcorp
Classification: Uncertain significance for RASopathy. Last evaluated: 2025-09-01. Review status: criteria provided, single submitter. Criteria: Invitae Variant Classification Sherloc (09022015). Collection method: clinical testing. Allele origin: germline.
Comment: This sequence change replaces leucine, which is neutral and non-polar, with proline, which is neutral and non-polar, at codon 251 of the RAF1 protein (p.Leu251Pro). This variant is not present in population databases (gnomAD no frequency). This missense change has been observed in individual(s) with RAF1-related conditions (PMID: 22495831). ClinVar contains an entry for this variant (Variation ID: 3942496). Invitae Evidence Modeling incorporating data from in vitro experimental studies (internal data) did not meet the statistical confidence thresholds required to predict the impact of this variant on RAF1 function. In summary, the available evidence is currently insufficient to determine the role of this variant in disease. Therefore, it has been classified as a Variant of Uncertain Significance.

Ambry Genetics
Classification: Uncertain significance for Cardiovascular phenotype. Last evaluated: 2025-05-18. Review status: criteria provided, single submitter. Criteria: Ambry Variant Classification Scheme 2023. Collection method: clinical testing. Allele origin: germline.
Comment: The p.L251P variant (also known as c.752T>C), located in coding exon 6 of the RAF1 gene, results from a T to C substitution at nucleotide position 752. The leucine at codon 251 is replaced by proline, an amino acid with similar properties. This variant has been reported in a RAF1- related RASopathy cohort and in a pediatric sudden cardiac arrest cohort (Abe Y et al. Am J Med Genet A, 2012 May;158A:1083-94; Li MH et al. Hum Genomics, 2015 Jul;9:15). This amino acid position is well conserved in available vertebrate species. In addition, the in silico prediction for this alteration is inconclusive. Based on the available evidence, the clinical significance of this variant remains unclear.

Literature cited by the submitters: PubMed 22495831 (cited by Labcorp Genetics (formerly Invitae), Labcorp and Ambry Genetics); PubMed 26187847 (cited by Ambry Genetics).

NM_002880.4(RAF1):c.752T>C (p.Leu251Pro)

Gene: RAF1 (Raf-1 proto-oncogene, serine/threonine kinase; minus strand). Cytogenetic location: 3p25.2.
Variant type: single nucleotide variant.
Coding change: c.752T>C on transcript NM_002880.4 (MANE Select); coding-DNA position 752, T replaced by C.
Protein change: p.Leu251Pro; replaces leucine 251 with proline.
Molecular consequence: missense variant. On other transcripts: non-coding transcript variant (3).
Genome position (GRCh38, 1-based): chr3:12,604,218, A>G on the plus strand (T>C on the coding strand, the complement: RAF1 is on the minus strand). VCF-style: chr3-12604218-A-G. GRCh37 (hg19) VCF-style: chr3-12645717-A-G.
Other names: c.752T>C, p.Leu251Pro (NM_001354689.3, NM_001354690.3); c.509T>C, p.Leu170Pro (NM_001354691.3, NM_001354692.3, NM_001354694.3); c.653T>C, p.Leu218Pro (NM_001354693.3); c.410T>C, p.Leu137Pro (NM_001354695.3); short protein forms L218P, L251P, L137P, L170P.
Identifiers: ClinVar variation 3942496 (VCV003942496.2).
Genomic context (GRCh38, chr3:12,604,218, plus strand): 5'-GGCAGGGTGGTGCTGACCATGTGGACATTAGGTGTGGATGTCGACCTCTGCCTCTGGGAG[A>G]GGGAACCTTCAGATGAGGGACTGGAGGTGTTAAAGGTGAAGGCGTGAGGTGTAGAATATC-3'
Protein context (NP_002871.1, residues 241-261): NTSSPSSEGS[Leu251Pro]SQRQRSTSTP